The following is an entry in ClinVar:

NM_172351.3(CD46):c.1103C>T (p.Thr368Ile)

Gene: CD46 (CD46 molecule; plus strand). Cytogenetic location: 1q32.2.
Variant type: single nucleotide variant.
Coding change: c.1103C>T on transcript NM_172351.3 (MANE Select); coding-DNA position 1103, C replaced by T.
Protein change: p.Thr368Ile; replaces threonine 368 with isoleucine.
Molecular consequence: missense variant. On other transcripts: intron variant (7).
Genome position (GRCh38, 1-based): chr1:207,790,273, C>T. VCF-style: chr1-207790273-C-T. GRCh37 (hg19) VCF-style: chr1-207963618-C-T.
Other names: p.Thr383Ile; c.1148C>T, p.Thr383Ile (LRG_155t1, NM_002389.4); c.1058C>T, p.Thr353Ile (NM_172352.3); c.1061C>T, p.Thr354Ile (NM_172355.3); c.1016C>T, p.Thr339Ile (NM_172357.3); c.1128-3246C>T (NM_172359.3); c.1083-3246C>T (NM_153826.4); c.1046-3246C>T (NM_172358.3); and 4 more; short protein forms T383I, T339I, T368I, T354I, T353I.
Identifiers: ClinVar variation 444193 (VCV000444193.58), dbSNP rs146803767, ClinGen allele CA1371903.
Genomic context (GRCh38, chr1:207,790,273, plus strand): 5'-GTCACTATTTTATTCAGCCGTTTTCTCTTCCTCTGTTCAGCACATACCTAACTGATGAGA[C>T]CCACAGAGAAGTAAAATTTACTTCTCTCTGAGAAGGAGAGATGAGAGAAAGGTTTGCTTT-3'
Protein context (NP_758861.1, residues 358-377): KKKGTYLTDE[Thr368Ile]HREVKFTSL

ClinVar aggregate classification (germline): Conflicting classifications of pathogenicity. Review status: criteria provided, conflicting classifications (1 of 4 stars). 8 submissions from 8 submitters: Uncertain significance (5); Likely benign (3). Last evaluated 2026-08-01.

Conditions:
CD46-related disorder. Also called: CD46-related condition.
Atypical hemolytic-uremic syndrome. Identifiers: Orphanet 2134, MedGen C2931788, MONDO:0016244.
Atypical hemolytic-uremic syndrome with MCP/CD46 anomaly. Also called: HEMOLYTIC UREMIC SYNDROME, ATYPICAL, SUSCEPTIBILITY TO, 2; AHUS, SUSCEPTIBILITY TO, 2. Identifiers: Orphanet 2134, MedGen C2752040, MONDO:0013040, OMIM 612922.

Allele frequency attached by ClinVar (database versions not stated): 1000 Genomes Project 30x 0.00016; 1000 Genomes Project 0.00020; ESP Exome Variant Server 0.00054; ExAC 0.00062; TOPMed 0.00068; gnomAD exomes 0.00071; gnomAD 0.00090 and 0.00093.
gnomAD v4.1: 1,170 of 1,592,394 alleles (0.073%); highest among the groups gnomAD compares: Admixed American, 0.1%; 1 homozygote.

Submissions (8):

CeGaT Center for Human Genetics Tuebingen
Classification: Likely benign. Last evaluated: 2026-08-01. Review status: criteria provided, single submitter. Criteria: CeGaT Center For Human Genetics Tuebingen Variant Classification Criteria Version 2. Collection method: clinical testing. Allele origin: germline. Affected: yes. Observed: 2 variant alleles.
Comment: CD46: BP3, BP4, BS1

Women's Health and Genetics/Laboratory Corporation of America, LabCorp
Classification: Uncertain significance. Last evaluated: 2026-02-05. Review status: criteria provided, single submitter. Criteria: LabCorp Variant Classification Summary - May 2015. Collection method: clinical testing. Allele origin: germline.
Comment: Variant summary: CD46 c.1148C>T (p.Thr383Ile) results in a non-conservative amino acid change in the encoded protein sequence. Algorithms developed to predict the effect of missense changes on protein structure and function are either unavailable or do not agree on the potential impact of this missense change. The variant allele was found at a frequency of 0.00071 in 251292 control chromosomes, including 1 homozygote in gnomAD v4. This frequency is not significantly higher than estimated for disease-causing variants in CD46, allowing no conclusion about variant significance. c.1148C>T has been observed in the presumed heterozygous state in individual(s) affected with Atypical hemolytic-uremic syndrome with MCP/CD46 anomaly, recurrent pregnancy loss, and/or unspecified immunological conditions (Fidalgo_2017, Chetta_2024, Brocklebank_2023, Ardissino_2021, Ardissino_2018, Mohlin_2013) and in at least 1 study it was also found in 6 unaffected controls. These report(s) do not provide unequivocal conclusions about association of the variant with Atypical hemolytic-uremic syndrome with MCP/CD46 anomaly. At least one publication reports experimental evidence evaluating an impact on protein function. These results showed no damaging effect of this variant (example, Mohlin_2013). The following publications have been ascertained in the context of this evaluation (PMID: 26989566, 36498532, 30046676, 23251215, 23431077, 24161037, 34566977, 34777475, 34838142, 31589614, 39006921, 30674459, 37369098, 34169201, 29046944, 35877417, 23508668, 30377230, 25188723, 34004375, 26054645, 40294836, 27959629, 21706448). ClinVar contains an entry for this variant (Variation ID: 444193). Based on the evidence outlined above, the variant was classified as uncertain significance.

Labcorp Genetics (formerly Invitae), Labcorp
Classification: Likely benign. Last evaluated: 2026-01-21. Review status: criteria provided, single submitter. Criteria: Invitae Variant Classification Sherloc (09022015). Collection method: clinical testing. Allele origin: germline.

Genomenon, Inc
Classification: Uncertain significance for Atypical hemolytic-uremic syndrome. Last evaluated: 2025-10-02. Review status: criteria provided, single submitter. Criteria: Genomenon Sequence Variant Interpretation Standards. Collection method: curation. Allele origin: germline. Affected: yes.
Comment: CD46 p.Thr383Ile (c.1148C>T) is a missense variant that changes the amino acid at residue 383 from Threonine to Isoleucine. This variant has been observed in at least one proband affected with atypical hemolytic-uremic syndrome (PMID:34169201;21706448;30046676;26989566;29046944). Functional studies have been reported; however, the significance of the findings remain unclear (PMID:23508668). In silico models agree that this variant is not damaging. In conclusion, we classify CD46 p.Thr383Ile (c.1148C>T) as a variant of uncertain significance.

PreventionGenetics, part of Exact Sciences
Classification: Uncertain significance for CD46-related condition. Last evaluated: 2023-05-02. Review status: criteria provided, single submitter. Criteria: ACMG Guidelines, 2015. Collection method: clinical testing. Allele origin: germline.
Comment: The CD46 c.1148C>T variant is predicted to result in the amino acid substitution p.Thr383Ile. This variant has been reported in individuals with atypical hemolytic uremic syndrome (aHUS) (Provaznikova et al. 2012. PubMed ID: 21706448; Table S1, Ardissino et al. 2021. PubMed ID: 34169201). Functional studies have shown that this variant does not impact protein function (Mohlin et al. 2013. PubMed ID: 23508668 ). Of note, this variant has also been reported as likely benign/benign in the literature (Fidalgo et al. 2017. PubMed ID: 30046676; Bu et al. 2018. PubMed ID: 30377230), has been identified in healthy individuals (Bu et al. 2018. PubMed ID: 30377230; Table S1, Ardissino et al. 2021. PubMed ID: 34169201), and is reported in 0.19% of alleles in individuals of European (Finnish) descent in gnomAD. While this variant may be benign, at this time, the clinical significance of this variant is uncertain due to the absence of conclusive functional and genetic evidence.

Mayo Clinic Laboratories, Mayo Clinic
Classification: Uncertain significance. Last evaluated: 2023-01-26. Review status: criteria provided, single submitter. Criteria: ACMG Guidelines, 2015. Collection method: clinical testing. Allele origin: germline. Observed: 3 variant alleles.
Comment: BS3_supporting

Mendelics
Classification: Uncertain significance. Last evaluated: 2022-05-04. Review status: criteria provided, single submitter. Criteria: Mendelics Assertion Criteria 2019. Collection method: clinical testing. Allele origin: germline.

Illumina Laboratory Services, Illumina
Classification: Likely benign for Atypical hemolytic-uremic syndrome with MCP/CD46 anomaly. Last evaluated: 2017-04-27. Review status: criteria provided, single submitter. Criteria: ICSL Variant Classification Criteria 13 December 2019. Collection method: clinical testing. Allele origin: germline.
Comment: This variant was observed as part of a predisposition screen in an ostensibly healthy population. A literature search was performed for the gene, cDNA change, and amino acid change (where applicable). Publications were found based on this search. The evidence from the literature, in combination with allele frequency data from public databases where available, was sufficient to determine this variant is unlikely to cause disease. Therefore, this variant is classified as likely benign.

Literature cited by the submitters: PubMed 31589614 (cited by Women's Health and Genetics/Laboratory Corporation of America, LabCorp); PubMed 30046676 (cited by 3 submitters); PubMed 34169201 (cited by 3 submitters); PubMed 29046944 (cited by Women's Health and Genetics/Laboratory Corporation of America, LabCorp and Genomenon, Inc); PubMed 23431077 (cited by Women's Health and Genetics/Laboratory Corporation of America, LabCorp); PubMed 30674459 (cited by Women's Health and Genetics/Laboratory Corporation of America, LabCorp); PubMed 30377230 (cited by Women's Health and Genetics/Laboratory Corporation of America, LabCorp and Mayo Clinic Laboratories, Mayo Clinic); PubMed 34004375 (cited by Women's Health and Genetics/Laboratory Corporation of America, LabCorp); PubMed 37369098 (cited by Women's Health and Genetics/Laboratory Corporation of America, LabCorp); PubMed 39006921 (cited by Women's Health and Genetics/Laboratory Corporation of America, LabCorp); PubMed 26989566 (cited by Women's Health and Genetics/Laboratory Corporation of America, LabCorp and Genomenon, Inc); PubMed 27959629 (cited by Women's Health and Genetics/Laboratory Corporation of America, LabCorp); PubMed 40294836 (cited by Women's Health and Genetics/Laboratory Corporation of America, LabCorp); PubMed 36498532 (cited by Women's Health and Genetics/Laboratory Corporation of America, LabCorp); PubMed 23251215 (cited by Women's Health and Genetics/Laboratory Corporation of America, LabCorp); PubMed 24161037 (cited by Women's Health and Genetics/Laboratory Corporation of America, LabCorp); PubMed 34566977 (cited by Women's Health and Genetics/Laboratory Corporation of America, LabCorp); PubMed 34777475 (cited by Women's Health and Genetics/Laboratory Corporation of America, LabCorp); PubMed 26054645 (cited by Women's Health and Genetics/Laboratory Corporation of America, LabCorp); PubMed 34838142 (cited by Women's Health and Genetics/Laboratory Corporation of America, LabCorp); PubMed 21706448 (cited by 4 submitters); PubMed 35877417 (cited by Women's Health and Genetics/Laboratory Corporation of America, LabCorp); PubMed 25188723 (cited by Women's Health and Genetics/Laboratory Corporation of America, LabCorp); PubMed 23508668 (cited by 3 submitters).